The following is an entry in ClinVar:

ClinVar aggregate classification (germline): Uncertain significance. Review status: criteria provided, multiple submitters, no conflicts (2 of 4 stars). 2 submissions from 2 submitters: Uncertain significance (2). Last evaluated 2025-12-05.

Conditions:
Hereditary cancer-predisposing syndrome. Also called: Tumor predisposition; Neoplastic Syndromes, Hereditary; Hereditary Cancer Syndrome; Hereditary neoplastic syndrome. Identifiers: Orphanet 140162, MedGen C0027672, MeSH D009386, MONDO:0015356.
Ataxia-telangiectasia syndrome (AT). Also called: ATAXIA-TELANGIECTASIA, FRESNO VARIANT; Ataxia-telangiectasia, complementation group D; AT, COMPLEMENTATION GROUP C; Ataxia-telangiectasia; Ataxia-telangiectasia, complementation group E; Ataxia telangiectasia (A-T). Identifiers: Orphanet 100, MedGen C0004135, MONDO:0008840, OMIM 208900.

Allele frequency attached by ClinVar (database versions not stated): gnomAD exomes below 0.00001; TOPMed 0.00001.
gnomAD v4.1: 2 of 1,612,618 alleles (0.00012%); highest among the groups gnomAD compares: South Asian, 0.0022%; no homozygotes.

Submissions (2):

Ambry Genetics
Classification: Uncertain significance for Hereditary cancer-predisposing syndrome. Last evaluated: 2025-12-05. Review status: criteria provided, single submitter. Criteria: Ambry Variant Classification Scheme 2023. Collection method: clinical testing. Allele origin: germline.
Comment: The p.Q374E variant (also known as c.1120C>G), located in coding exon 8 of the ATM gene, results from a C to G substitution at nucleotide position 1120. The glutamine at codon 374 is replaced by glutamic acid, an amino acid with highly similar properties. This amino acid position is well conserved in available vertebrate species. In addition, this alteration is predicted to be tolerated by in silico analysis. Since supporting evidence is limited at this time, the clinical significance of this alteration remains unclear.

Labcorp Genetics (formerly Invitae), Labcorp
Classification: Uncertain significance for Ataxia-telangiectasia syndrome. Last evaluated: 2024-04-10. Review status: criteria provided, single submitter. Criteria: Invitae Variant Classification Sherloc (09022015). Collection method: clinical testing. Allele origin: germline.
Comment: This sequence change replaces glutamine, which is neutral and polar, with glutamic acid, which is acidic and polar, at codon 374 of the ATM protein (p.Gln374Glu). This variant is present in population databases (no rsID available, gnomAD 0.003%). This variant has not been reported in the literature in individuals affected with ATM-related conditions. ClinVar contains an entry for this variant (Variation ID: 1059254). An algorithm developed to predict the effect of missense changes on protein structure and function (PolyPhen-2) suggests that this variant is likely to be disruptive. In summary, the available evidence is currently insufficient to determine the role of this variant in disease. Therefore, it has been classified as a Variant of Uncertain Significance.

NM_000051.4(ATM):c.1120C>G (p.Gln374Glu)

Gene: ATM (ATM serine/threonine kinase; plus strand). Cytogenetic location: 11q22.3.
Variant type: single nucleotide variant.
Coding change: c.1120C>G on transcript NM_000051.4 (MANE Select); coding-DNA position 1120, C replaced by G.
Protein change: p.Gln374Glu; replaces glutamine 374 with glutamic acid.
Molecular consequence: missense variant.
Genome position (GRCh38, 1-based): chr11:108,248,987, C>G. VCF-style: chr11-108248987-C-G. GRCh37 (hg19) VCF-style: chr11-108119714-C-G.
Other names: c.1120C>G, p.Gln374Glu (NM_001351834.2); c.1120C>G (NM_000051.3); short protein forms Q374E.
Identifiers: ClinVar variation 1059254 (VCV001059254.8), dbSNP rs1185204988, ClinGen allele CA382532420.
Genomic context (GRCh38, chr11:108,248,987, plus strand): 5'-TTACAGGTTTTTAATGAAGATACCAGATCCTTGGAGATTTCTCAATCTTACACTACTACA[C>G]AAAGAGAATCTAGTGATTACAGTGTCCCTTGCAAAAGGAAGAAAATAGAACTAGGCTGGG-3'
Protein context (NP_000042.3, residues 364-384): LEISQSYTTT[Gln374Glu]RESSDYSVPC